The following is an entry in ClinVar:

ClinVar aggregate classification (germline): Uncertain significance. Review status: criteria provided, multiple submitters, no conflicts (2 of 4 stars). 2 submissions from 2 submitters: Uncertain significance (2). Last evaluated 2024-10-22.

gnomAD v4.1: 10 of 1,613,922 alleles (0.00062%); highest among the groups gnomAD compares: Non-Finnish European, 0.00085%; no homozygotes.

Submissions (2):

Ambry Genetics
Classification: Uncertain significance. Last evaluated: 2024-10-22. Review status: criteria provided, single submitter. Criteria: Ambry Variant Classification Scheme 2023. Collection method: clinical testing. Allele origin: germline.

Labcorp Genetics (formerly Invitae), Labcorp
Classification: Uncertain significance. Last evaluated: 2024-07-01. Review status: criteria provided, single submitter. Criteria: Invitae Variant Classification Sherloc (09022015). Collection method: clinical testing. Allele origin: germline.
Comment: This sequence change replaces arginine, which is basic and polar, with glycine, which is neutral and non-polar, at codon 416 of the GABRB1 protein (p.Arg416Gly). This variant is present in population databases (no rsID available, gnomAD 0.0009%). This variant has not been reported in the literature in individuals affected with GABRB1-related conditions. Advanced modeling of protein sequence and biophysical properties (such as structural, functional, and spatial information, amino acid conservation, physicochemical variation, residue mobility, and thermodynamic stability) performed at Invitae indicates that this missense variant is not expected to disrupt GABRB1 protein function with a negative predictive value of 80%. In summary, the available evidence is currently insufficient to determine the role of this variant in disease. Therefore, it has been classified as a Variant of Uncertain Significance.

NM_000812.4(GABRB1):c.1246C>G (p.Arg416Gly)

Gene: GABRB1 (gamma-aminobutyric acid type A receptor subunit beta1; plus strand). Cytogenetic location: 4p12.
Variant type: single nucleotide variant.
Coding change: c.1246C>G on transcript NM_000812.4 (MANE Select); coding-DNA position 1246, C replaced by G.
Protein change: p.Arg416Gly; replaces arginine 416 with glycine.
Molecular consequence: missense variant.
Genome position (GRCh38, 1-based): chr4:47,425,839, C>G. VCF-style: chr4-47425839-C-G. GRCh37 (hg19) VCF-style: chr4-47427856-C-G.
Other names: short protein forms R416G.
Identifiers: ClinVar variation 3518190 (VCV003518190.3).
Genomic context (GRCh38, chr4:47,425,839, plus strand): 5'-TCCTATGACAGCGCCAGCATCCAGTACCGCAAGCCCCTGAGCAGCCGCGAGGCCTACGGG[C>G]GCGCCCTGGACCGGCACGGGGTACCCAGCAAGGGGCGCATCCGCAGGCGTGCCTCCCAGC-3'
Protein context (NP_000803.2, residues 406-426): KPLSSREAYG[Arg416Gly]ALDRHGVPSK